The following is an entry in ClinVar:

ClinVar aggregate classification (germline): Uncertain significance. Review status: criteria provided, multiple submitters, no conflicts (2 of 4 stars). 2 submissions from 2 submitters: Uncertain significance (2). Last evaluated 2025-06-09.

Allele frequency attached by ClinVar (database versions not stated): gnomAD 0.00001; gnomAD exomes 0.00002; TOPMed 0.00002; ExAC 0.00003.
gnomAD v4.1: 32 of 1,614,036 alleles (0.002%); highest among the groups gnomAD compares: African/African-American, 0.0053%; no homozygotes.

Submissions (2):

Women's Health and Genetics/Laboratory Corporation of America, LabCorp
Classification: Uncertain significance. Last evaluated: 2025-06-09. Review status: criteria provided, single submitter. Criteria: LabCorp Variant Classification Summary - May 2015. Collection method: clinical testing. Allele origin: germline.
Comment: Variant summary: CUL7 c.4402G>A (p.Val1468Met) results in a conservative amino acid change in the encoded protein sequence. Algorithms developed to predict the effect of missense changes on protein structure and function are either unavailable or do not agree on the potential impact of this missense change. The variant allele was found at a frequency of 1.6e-05 in 251474 control chromosomes. The available data on variant occurrences in the general population are insufficient to allow any conclusion about variant significance. To our knowledge, no occurrence of c.4402G>A in individuals affected with Three M Syndrome 1 and no experimental evidence demonstrating its impact on protein function have been reported. ClinVar contains an entry for this variant (Variation ID: 2185130). Based on the evidence outlined above, the variant was classified as uncertain significance.

Labcorp Genetics (formerly Invitae), Labcorp
Classification: Uncertain significance. Last evaluated: 2023-03-30. Review status: criteria provided, single submitter. Criteria: Invitae Variant Classification Sherloc (09022015). Collection method: clinical testing. Allele origin: germline.
Comment: In summary, the available evidence is currently insufficient to determine the role of this variant in disease. Therefore, it has been classified as a Variant of Uncertain Significance. Advanced modeling of protein sequence and biophysical properties (such as structural, functional, and spatial information, amino acid conservation, physicochemical variation, residue mobility, and thermodynamic stability) performed at Invitae indicates that this missense variant is not expected to disrupt CUL7 protein function. ClinVar contains an entry for this variant (Variation ID: 2185130). This variant has not been reported in the literature in individuals affected with CUL7-related conditions. This variant is present in population databases (rs766421323, gnomAD 0.007%). This sequence change replaces valine, which is neutral and non-polar, with methionine, which is neutral and non-polar, at codon 1468 of the CUL7 protein (p.Val1468Met).

NM_014780.5(CUL7):c.4402G>A (p.Val1468Met)

Gene: CUL7 (cullin 7; minus strand). Cytogenetic location: 6p21.1.
Variant type: single nucleotide variant.
Coding change: c.4402G>A on transcript NM_014780.5 (MANE Select); coding-DNA position 4402, G replaced by A.
Protein change: p.Val1468Met; replaces valine 1468 with methionine.
Molecular consequence: missense variant.
Genome position (GRCh38, 1-based): chr6:43,038,880, C>T on the plus strand (G>A on the coding strand, the complement: CUL7 is on the minus strand). VCF-style: chr6-43038880-C-T. GRCh37 (hg19) VCF-style: chr6-43006618-C-T.
Other names: c.4498G>A, p.Val1500Met (NM_001168370.2, NM_001374872.1); c.4402G>A, p.Val1468Met (NM_001374873.1); c.4399G>A, p.Val1467Met (NM_001374874.1); short protein forms V1468M, V1500M, V1467M.
Identifiers: ClinVar variation 2185130 (VCV002185130.3), dbSNP rs766421323, ClinGen allele CA3813227.